The following is an entry in ClinVar:

NM_006940.6(SOX5):c.1744C>T (p.His582Tyr)

Gene: SOX5 (SRY-box transcription factor 5; minus strand). Cytogenetic location: 12p12.1.
Variant type: single nucleotide variant.
Coding change: c.1744C>T on transcript NM_006940.6 (MANE Select); coding-DNA position 1744, C replaced by T.
Protein change: p.His582Tyr; replaces histidine 582 with tyrosine.
Molecular consequence: missense variant.
Genome position (GRCh38, 1-based): chr12:23,543,238, G>A on the plus strand (C>T on the coding strand, the complement: SOX5 is on the minus strand). VCF-style: chr12-23543238-G-A. GRCh37 (hg19) VCF-style: chr12-23696172-G-A.
Other names: c.1381C>T, p.His461Tyr (NM_001261414.3); c.1714C>T, p.His572Tyr (NM_001261415.3); c.1639C>T, p.His547Tyr (NM_001330785.2); c.1705C>T, p.His569Tyr (NM_152989.5); c.586C>T, p.His196Tyr (NM_178010.4); short protein forms H461Y, H547Y, H196Y, H569Y, H572Y, H582Y.
Identifiers: ClinVar variation 4795465 (VCV004795465.2).
Genomic context (GRCh38, chr12:23,543,238, plus strand): 5'-CATACGTCACTTAGTTCTTAATGGTTTTCTTACCCAATATCTTGCTGATGTTGGAGTTGT[G>A]CATGTCAGGAAAGGCTTGAAGGATCTTTCTCCGTTCATCTTTAGCCCACACCATGAAGGC-3'
Protein context (NP_008871.3, residues 572-592): RKILQAFPDM[His582Tyr]NSNISKILGS

ClinVar aggregate classification (germline): Uncertain significance (1 of 4 stars; one submission).

Submission:

GeneDx
Classification: Uncertain significance. Last evaluated: 2026-03-26. Review status: criteria provided, single submitter. Criteria: GeneDx Variant Classification Process June 2021. Collection method: clinical testing. Allele origin: germline.
Comment: Apparently de novo variant in a patient in published literature; however, the reported clinical features are only partially consistent with the features typically observed in individuals with pathogenic variants in this gene (PMID: 37010288); Not observed at significant frequency in large population cohorts (gnomAD); In silico analysis supports that this missense variant has a deleterious effect on protein structure/function; This variant is associated with the following publications: (PMID: 33057194, 35982159, 39974057, 37010288)